The following is an entry in ClinVar:

NM_153833.3(H1-8):c.114A>C (p.Pro38=)

Gene: H1-8 (H1.8 linker histone; plus strand). Cytogenetic location: 3q22.1.
Variant type: single nucleotide variant.
Coding change: c.114A>C on transcript NM_153833.3 (MANE Select); coding-DNA position 114, A replaced by C.
Protein change: p.Pro38=; no amino-acid change (proline 38 retained).
Molecular consequence: synonymous variant.
Genome position (GRCh38, 1-based): chr3:129,547,416, A>C. VCF-style: chr3-129547416-A-C. GRCh37 (hg19) VCF-style: chr3-129266259-A-C.
Identifiers: ClinVar variation 3388574 (VCV003388574.14).

ClinVar aggregate classification (germline): Likely benign (1 of 4 stars; one submission).

Submission:

CeGaT Center for Human Genetics Tuebingen
Classification: Likely benign. Last evaluated: 2024-10-01. Review status: criteria provided, single submitter. Criteria: CeGaT Center For Human Genetics Tuebingen Variant Classification Criteria Version 2. Collection method: clinical testing. Allele origin: germline. Affected: yes. Observed: 1 variant allele.
Comment: H1-8: BP4, BP7